The following is an entry in ClinVar:

NM_017491.5(WDR1):c.630C>A (p.Asp210Glu)

Gene: WDR1 (WD repeat domain 1; minus strand). Cytogenetic location: 4p16.1.
Variant type: single nucleotide variant.
Coding change: c.630C>A on transcript NM_017491.5 (MANE Select); coding-DNA position 630, C replaced by A.
Protein change: p.Asp210Glu; replaces aspartic acid 210 with glutamic acid.
Molecular consequence: missense variant.
Genome position (GRCh38, 1-based): chr4:10,088,670, G>T on the plus strand (C>A on the coding strand, the complement: WDR1 is on the minus strand). VCF-style: chr4-10088670-G-T. GRCh37 (hg19) VCF-style: chr4-10090294-G-T.
Other names: c.210C>A, p.Asp70Glu (NM_005112.5); c.630C>A (NM_017491.3); short protein forms D70E, D210E.
Identifiers: ClinVar variation 1941586 (VCV001941586.5), dbSNP rs375499807, ClinGen allele CA2857971.
Genomic context (GRCh38, chr4:10,088,670, plus strand): 5'-ACGGGAGCAGGCAGACAAGCCATTCCCCACCCCAAAACCCATCCCAGTTCTTACCTGGCC[G>T]TCAGCACTGGCTGTGGCAAATCTGTTCCCATCAGGAGAGAATCGCACACAGTTGACAAAG-3'
Protein context (NP_059830.1, residues 200-220): DGNRFATASA[Asp210Glu]GQIYIYDGKT

ClinVar aggregate classification (germline): Uncertain significance. Review status: criteria provided, multiple submitters, no conflicts (2 of 4 stars). 2 submissions from 2 submitters: Uncertain significance (2). Last evaluated 2025-08-21.

Conditions:
Inborn genetic diseases. Identifiers: MedGen C0950123, MeSH D030342.

gnomAD v4.1: 8 of 1,605,036 alleles (0.0005%); no homozygotes.

Submissions (2):

Ambry Genetics
Classification: Uncertain significance for Inborn genetic diseases. Last evaluated: 2025-08-21. Review status: criteria provided, single submitter. Criteria: Ambry Variant Classification Scheme 2023. Collection method: clinical testing. Allele origin: germline.

Labcorp Genetics (formerly Invitae), Labcorp
Classification: Uncertain significance. Last evaluated: 2022-08-21. Review status: criteria provided, single submitter. Criteria: Invitae Variant Classification Sherloc (09022015). Collection method: clinical testing. Allele origin: germline.
Comment: This sequence change replaces aspartic acid, which is acidic and polar, with glutamic acid, which is acidic and polar, at codon 210 of the WDR1 protein (p.Asp210Glu). The frequency data for this variant in the population databases is considered unreliable, as metrics indicate poor data quality at this position in the gnomAD database. This variant has not been reported in the literature in individuals affected with WDR1-related conditions. Algorithms developed to predict the effect of missense changes on protein structure and function are either unavailable or do not agree on the potential impact of this missense change (SIFT: "Deleterious"; PolyPhen-2: "Probably Damaging"; Align-GVGD: "Class C0"). In summary, the available evidence is currently insufficient to determine the role of this variant in disease. Therefore, it has been classified as a Variant of Uncertain Significance.